The following is an entry in ClinVar:

ClinVar aggregate classification (germline): Likely benign (1 of 4 stars; one submission).

Allele frequency attached by ClinVar (database versions not stated): 1000 Genomes Project 0.00200; 1000 Genomes Project 30x 0.00219; gnomAD 0.00331; TOPMed 0.00347; ExAC 0.00392; ESP Exome Variant Server 0.00415; gnomAD exomes 0.00527.
gnomAD v4.1: 8,179 of 1,614,250 alleles (0.51%); highest among the groups gnomAD compares: Non-Finnish European, 0.61%; 35 homozygotes.

Submission:

CeGaT Center for Human Genetics Tuebingen
Classification: Likely benign. Last evaluated: 2024-02-01. Review status: criteria provided, single submitter. Criteria: CeGaT Center For Human Genetics Tuebingen Variant Classification Criteria Version 2. Collection method: clinical testing. Allele origin: germline. Affected: yes. Observed: 1 variant allele.
Comment: PCDHGA6: BP4, BS2

NM_018919.3(PCDHGA6):c.2279C>G (p.Thr760Ser)

Genes: PCDHG@ (protocadherin gamma cluster; plus strand), PCDHGA1 (protocadherin gamma subfamily A, 1; plus strand), PCDHGA2 (protocadherin gamma subfamily A, 2; plus strand), PCDHGA3 (protocadherin gamma subfamily A, 3; plus strand), PCDHGA4 (protocadherin gamma subfamily A, 4; plus strand) and 5 more. Cytogenetic location: 5q31.3.
Variant type: single nucleotide variant.
Coding change: c.2279C>G on transcript NM_018919.3 (MANE Select); coding-DNA position 2279, C replaced by G.
Protein change: p.Thr760Ser; replaces threonine 760 with serine.
Molecular consequence: missense variant. On other transcripts: intron variant (8).
Genome position (GRCh38, 1-based): chr5:141,376,362, C>G. VCF-style: chr5-141376362-C-G. GRCh37 (hg19) VCF-style: chr5-140755929-C-G.
Other names: c.2279C>G, p.Thr760Ser (NM_032086.2); c.2421+43257C>G (NM_018912.3); c.2424+34967C>G (NM_018915.4); c.2424+29905C>G (NM_018916.4); c.2409+23693C>G (NM_018922.3); c.2514+18741C>G (NM_018917.4); c.2421+13806C>G (NM_018923.3); c.2421+9611C>G (NM_018918.3); and 1 more; short protein forms T760S.
Identifiers: ClinVar variation 3024918 (VCV003024918.22), dbSNP rs186469397, ClinGen allele CA3471678.